The following is an entry in ClinVar:

NM_001371623.1(TCOF1):c.4393G>C (p.Ala1465Pro)

Gene: TCOF1 (treacle ribosome biogenesis factor 1; plus strand). Cytogenetic location: 5q32.
Variant type: single nucleotide variant.
Coding change: c.4393G>C on transcript NM_001371623.1 (MANE Select); coding-DNA position 4393, G replaced by C.
Protein change: p.Ala1465Pro; replaces alanine 1465 with proline.
Molecular consequence: missense variant.
Genome position (GRCh38, 1-based): chr5:150,398,401, G>C. VCF-style: chr5-150398401-G-C. GRCh37 (hg19) VCF-style: chr5-149777964-G-C.
Other names: c.4159G>C, p.Ala1387Pro (NM_000356.4); c.4390G>C, p.Ala1464Pro (NM_001135243.2); c.4279G>C, p.Ala1427Pro (NM_001135244.2); c.4162G>C, p.Ala1388Pro (NM_001135245.2); c.4276G>C, p.Ala1426Pro (NM_001195141.2); short protein forms A1387P, A1388P, A1426P, A1427P, A1464P, A1465P.
Identifiers: ClinVar variation 1183934 (VCV001183934.8), dbSNP rs146405751, ClinGen allele CA3511755.

ClinVar aggregate classification (germline): Conflicting classifications of pathogenicity. Review status: criteria provided, conflicting classifications (1 of 4 stars). 3 submissions from 3 submitters: Uncertain significance (2); Likely benign (1). Last evaluated 2025-08-23.

Conditions:
Inborn genetic diseases. Identifiers: MedGen C0950123, MeSH D030342.
Treacher Collins syndrome 1 (TCS1). Also called: TCOF1-Related Treacher Collins Syndrome. Identifiers: Orphanet 861, MedGen CN315775, MONDO:0007944, OMIM 154500.

gnomAD v4.1: 9 of 1,613,956 alleles (0.00056%); highest among the groups gnomAD compares: East Asian, 0.0045%; no homozygotes.

Submissions (3):

Ambry Genetics
Classification: Uncertain significance for Inborn genetic diseases. Last evaluated: 2025-08-23. Review status: criteria provided, single submitter. Criteria: Ambry Variant Classification Scheme 2023. Collection method: clinical testing. Allele origin: germline.

Labcorp Genetics (formerly Invitae), Labcorp
Classification: Uncertain significance for Treacher Collins syndrome 1. Last evaluated: 2025-03-05. Review status: criteria provided, single submitter. Criteria: Invitae Variant Classification Sherloc (09022015). Collection method: clinical testing. Allele origin: germline.
Comment: This sequence change replaces alanine, which is neutral and non-polar, with proline, which is neutral and non-polar, at codon 1464 of the TCOF1 protein (p.Ala1464Pro). This variant is present in population databases (rs146405751, gnomAD 0.003%). This variant has not been reported in the literature in individuals affected with TCOF1-related conditions. ClinVar contains an entry for this variant (Variation ID: 1183934). An algorithm developed to predict the effect of missense changes on protein structure and function outputs the following: PolyPhen-2: "Not Available". The proline amino acid residue is found in multiple mammalian species, which suggests that this missense change does not adversely affect protein function. In summary, the available evidence is currently insufficient to determine the role of this variant in disease. Therefore, it has been classified as a Variant of Uncertain Significance.

GeneDx
Classification: Likely benign. Last evaluated: 2021-04-05. Review status: criteria provided, single submitter. Criteria: GeneDx Variant Classification Process June 2021. Collection method: clinical testing. Allele origin: germline. Affected: yes.